The following is an entry in ClinVar:

ClinVar aggregate classification (germline): Conflicting classifications of pathogenicity. Review status: criteria provided, conflicting classifications (1 of 4 stars). 3 submissions from 3 submitters: Uncertain significance (2); Likely benign (1). Last evaluated 2026-05-12.

Conditions:
Nephronophthisis. Also called: Juvenile Nephronophthisis. Identifiers: Orphanet 655, MedGen C0687120, MONDO:0019005, HP:0000090.
Jeune thoracic dystrophy. Also called: Jeune syndrome; Infantile thoracic dystrophy; Thoracic pelvic phalangeal dystrophy; Jeune's syndrome; Chondroectodermal dysplasia-like syndrome; Short-rib thoracic dysplasia. Identifiers: Orphanet 474, MedGen C0265275, MONDO:0018770.
TTC21B-related disorder. Also called: TTC21B-related disorders; TTC21B-related condition.
Inborn genetic diseases. Identifiers: MedGen C0950123, MeSH D030342.

Allele frequency attached by ClinVar (database versions not stated): ExAC 0.00002; gnomAD 0.00007 and 0.00008; TOPMed 0.00011.
gnomAD v4.1: 22 of 1,613,268 alleles (0.0014%); highest among the groups gnomAD compares: African/African-American, 0.028%; no homozygotes.

Submissions (3):

PreventionGenetics, part of Exact Sciences
Classification: Uncertain significance for TTC21B-related condition. Last evaluated: 2026-05-12. Review status: criteria provided, single submitter. Criteria: ACMG Guidelines, 2015. Collection method: clinical testing. Allele origin: germline.
Comment: The TTC21B c.1046C>A variant is predicted to result in the amino acid substitution p.Thr349Asn. To our knowledge, this variant has not been reported in the literature. This variant is reported in 0.025% of alleles in individuals of African descent in gnomAD. At this time, the clinical significance of this variant is uncertain due to the absence of conclusive functional and genetic evidence.

Labcorp Genetics (formerly Invitae), Labcorp
Classification: Likely benign for Jeune thoracic dystrophy; Nephronophthisis. Last evaluated: 2025-09-17. Review status: criteria provided, single submitter. Criteria: Invitae Variant Classification Sherloc (09022015). Collection method: clinical testing. Allele origin: germline.

Ambry Genetics
Classification: Uncertain significance for Inborn genetic diseases. Last evaluated: 2022-12-01. Review status: criteria provided, single submitter. Criteria: Ambry Variant Classification Scheme 2023. Collection method: clinical testing. Allele origin: germline.

NM_024753.5(TTC21B):c.1046C>A (p.Thr349Asn)

Gene: TTC21B (tetratricopeptide repeat domain 21B; minus strand). Cytogenetic location: 2q24.3.
Variant type: single nucleotide variant.
Coding change: c.1046C>A on transcript NM_024753.5 (MANE Select); coding-DNA position 1046, C replaced by A.
Protein change: p.Thr349Asn; replaces threonine 349 with asparagine.
Molecular consequence: missense variant.
Genome position (GRCh38, 1-based): chr2:165,930,213, G>T on the plus strand (C>A on the coding strand, the complement: TTC21B is on the minus strand). VCF-style: chr2-165930213-G-T. GRCh37 (hg19) VCF-style: chr2-166786723-G-T.
Other names: c.1046C>A (NM_024753.4, NM_024753.3); short protein forms T349N.
Identifiers: ClinVar variation 1389373 (VCV001389373.10), dbSNP rs753999114, ClinGen allele CA1942259.